The following is an entry in ClinVar:

NM_004998.4(MYO1E):c.3224A>G (p.Asn1075Ser)

Genes: MYO1E (myosin IE; minus strand), LOC112272600 (Sharpr-MPRA regulatory region 4265; plus strand). Cytogenetic location: 15q22.2.
Variant type: single nucleotide variant.
Coding change: c.3224A>G on transcript NM_004998.4 (MANE Select); coding-DNA position 3224, A replaced by G.
Protein change: p.Asn1075Ser; replaces asparagine 1075 with serine.
Molecular consequence: missense variant.
Genome position (GRCh38, 1-based): chr15:59,138,224, T>C on the plus strand (A>G on the coding strand, the complement: MYO1E is on the minus strand). VCF-style: chr15-59138224-T-C. GRCh37 (hg19) VCF-style: chr15-59430423-T-C.
Other names: short protein forms N1075S.
Identifiers: ClinVar variation 2062090 (VCV002062090.3), dbSNP rs188694704, ClinGen allele CA7588983.
Genomic context (GRCh38, chr15:59,138,224, plus strand): 5'-GGAGGCTGTCCCAGCCAACCAGCCACACACTTACCTTCTTTGATAATATCAATAATGTCA[T>C]TGGCATTAAAGCTGAGTTCGTCTGTGTCCTGAGCGTCATAGGCATACAAAGCCTTGCACT-3'
Protein context (NP_004989.2, residues 1065-1085): QDTDELSFNA[Asn1075Ser]DIIDIIKEDP

ClinVar aggregate classification (germline): Uncertain significance. Review status: criteria provided, multiple submitters, no conflicts (2 of 4 stars). 2 submissions from 2 submitters: Uncertain significance (2). Last evaluated 2025-04-19.

Allele frequency attached by ClinVar (database versions not stated): gnomAD 0.00013; TOPMed 0.00014; 1000 Genomes Project 0.00020; 1000 Genomes Project 30x 0.00031.
gnomAD v4.1: 141 of 1,614,216 alleles (0.0087%); highest among the groups gnomAD compares: Middle Eastern, 0.033%; no homozygotes.

Submissions (2):

Labcorp Genetics (formerly Invitae), Labcorp
Classification: Uncertain significance. Last evaluated: 2025-04-19. Review status: criteria provided, single submitter. Criteria: Invitae Variant Classification Sherloc (09022015). Collection method: clinical testing. Allele origin: germline.
Comment: This sequence change replaces asparagine, which is neutral and polar, with serine, which is neutral and polar, at codon 1075 of the MYO1E protein (p.Asn1075Ser). This variant is present in population databases (rs188694704, gnomAD 0.04%). This variant has not been reported in the literature in individuals affected with MYO1E-related conditions. ClinVar contains an entry for this variant (Variation ID: 2062090). An algorithm developed to predict the effect of missense changes on protein structure and function (PolyPhen-2) suggests that this variant is likely to be tolerated. In summary, the available evidence is currently insufficient to determine the role of this variant in disease. Therefore, it has been classified as a Variant of Uncertain Significance.

Blueprint Genetics
Classification: Uncertain significance. Last evaluated: 2024-07-23. Review status: criteria provided, single submitter. Criteria: ACMG Guidelines, 2015. Collection method: clinical testing. Allele origin: germline.